The following is an entry in ClinVar:

NM_006231.4(POLE):c.6250T>C (p.Ser2084Pro)

Gene: POLE (DNA polymerase epsilon, catalytic subunit; minus strand). Cytogenetic location: 12q24.33.
Variant type: single nucleotide variant.
Coding change: c.6250T>C on transcript NM_006231.4 (MANE Select); coding-DNA position 6250, T replaced by C.
Protein change: p.Ser2084Pro; replaces serine 2084 with proline.
Molecular consequence: missense variant.
Genome position (GRCh38, 1-based): chr12:132,632,395, A>G on the plus strand (T>C on the coding strand, the complement: POLE is on the minus strand). VCF-style: chr12-132632395-A-G. GRCh37 (hg19) VCF-style: chr12-133208981-A-G.
Other names: short protein forms S2084P.
Identifiers: ClinVar variation 2101334 (VCV002101334.4), dbSNP rs2541853945, ClinGen allele CA387369540.

ClinVar aggregate classification (germline): Uncertain significance (1 of 4 stars; one submission).

Submission:

Labcorp Genetics (formerly Invitae), Labcorp
Classification: Uncertain significance. Last evaluated: 2022-02-21. Review status: criteria provided, single submitter. Criteria: Invitae Variant Classification Sherloc (09022015). Collection method: clinical testing. Allele origin: germline.
Comment: In summary, the available evidence is currently insufficient to determine the role of this variant in disease. Therefore, it has been classified as a Variant of Uncertain Significance. Algorithms developed to predict the effect of missense changes on protein structure and function are either unavailable or do not agree on the potential impact of this missense change (SIFT: "Tolerated"; PolyPhen-2: "Possibly Damaging"; Align-GVGD: "Class C0"). This variant has not been reported in the literature in individuals affected with POLE-related conditions. This variant is not present in population databases (gnomAD no frequency). This sequence change replaces serine, which is neutral and polar, with proline, which is neutral and non-polar, at codon 2084 of the POLE protein (p.Ser2084Pro).